The following is an entry in ClinVar:

NM_000426.4(LAMA2):c.724C>T (p.Arg242Cys)

Gene: LAMA2 (laminin subunit alpha 2; plus strand). Cytogenetic location: 6q22.33.
Variant type: single nucleotide variant.
Coding change: c.724C>T on transcript NM_000426.4 (MANE Select); coding-DNA position 724, C replaced by T.
Protein change: p.Arg242Cys; replaces arginine 242 with cysteine.
Molecular consequence: missense variant.
Genome position (GRCh38, 1-based): chr6:129,143,985, C>T. VCF-style: chr6-129143985-C-T. GRCh37 (hg19) VCF-style: chr6-129465130-C-T.
Other names: c.724C>T, p.Arg242Cys (NM_001079823.2); short protein forms R242C.
Identifiers: ClinVar variation 1923678 (VCV001923678.2), dbSNP rs762781837, ClinGen allele CA3992412.

ClinVar aggregate classification (germline): Uncertain significance (1 of 4 stars; one submission).

Conditions:
LAMA2-related muscular dystrophy (LAMA2-RD). Also called: Laminin alpha 2-related dystrophy. Identifiers: MedGen C5679788, MONDO:0100228.

Allele frequency attached by ClinVar (database versions not stated): gnomAD 0.00001; gnomAD exomes 0.00001; TOPMed 0.00001; ExAC 0.00007.
gnomAD v4.1: 18 of 1,612,308 alleles (0.0011%); highest among the groups gnomAD compares: Admixed American, 0.0017%; no homozygotes.

Submission:

Labcorp Genetics (formerly Invitae), Labcorp
Classification: Uncertain significance for LAMA2-related muscular dystrophy. Last evaluated: 2022-10-24. Review status: criteria provided, single submitter. Criteria: Invitae Variant Classification Sherloc (09022015). Collection method: clinical testing. Allele origin: germline.
Comment: This sequence change replaces arginine, which is basic and polar, with cysteine, which is neutral and slightly polar, at codon 242 of the LAMA2 protein (p.Arg242Cys). This variant is present in population databases (rs762781837, gnomAD 0.008%). This variant has not been reported in the literature in individuals affected with LAMA2-related conditions. Advanced modeling of protein sequence and biophysical properties (such as structural, functional, and spatial information, amino acid conservation, physicochemical variation, residue mobility, and thermodynamic stability) has been performed at Invitae for this missense variant, however the output from this modeling did not meet the statistical confidence thresholds required to predict the impact of this variant on LAMA2 protein function. In summary, the available evidence is currently insufficient to determine the role of this variant in disease. Therefore, it has been classified as a Variant of Uncertain Significance.